The following is an entry in ClinVar:

ClinVar aggregate classification (germline): Uncertain significance. Review status: criteria provided, multiple submitters, no conflicts (2 of 4 stars). 2 submissions from 2 submitters: Uncertain significance (2). Last evaluated 2025-12-03.

Conditions:
Inborn genetic diseases. Identifiers: MedGen C0950123, MeSH D030342.

Allele frequency attached by ClinVar (database versions not stated): gnomAD exomes below 0.00001 and 0.00001; TOPMed below 0.00001.
gnomAD v4.1: 6 of 1,609,926 alleles (0.00037%); highest among the groups gnomAD compares: African/African-American, 0.0013%; no homozygotes.

Submissions (2):

Ambry Genetics
Classification: Uncertain significance for Inborn genetic diseases. Last evaluated: 2025-12-03. Review status: criteria provided, single submitter. Criteria: Ambry Variant Classification Scheme 2023. Collection method: clinical testing. Allele origin: germline.

Labcorp Genetics (formerly Invitae), Labcorp
Classification: Uncertain significance. Last evaluated: 2023-05-08. Review status: criteria provided, single submitter. Criteria: Invitae Variant Classification Sherloc (09022015). Collection method: clinical testing. Allele origin: germline.
Comment: Algorithms developed to predict the effect of missense changes on protein structure and function output the following: SIFT: "Not Available"; PolyPhen-2: "Benign"; Align-GVGD: "Not Available". The threonine amino acid residue is found in multiple mammalian species, which suggests that this missense change does not adversely affect protein function. ClinVar contains an entry for this variant (Variation ID: 1053562). This variant has not been reported in the literature in individuals affected with HSPG2-related conditions. This variant is present in population databases (no rsID available, gnomAD 0.007%). This sequence change replaces alanine, which is neutral and non-polar, with threonine, which is neutral and polar, at codon 1290 of the HSPG2 protein (p.Ala1290Thr). In summary, the available evidence is currently insufficient to determine the role of this variant in disease. Therefore, it has been classified as a Variant of Uncertain Significance.

NM_005529.7(HSPG2):c.3868G>A (p.Ala1290Thr)

Gene: HSPG2 (heparan sulfate proteoglycan 2; minus strand). Cytogenetic location: 1p36.12.
Variant type: single nucleotide variant.
Coding change: c.3868G>A on transcript NM_005529.7 (MANE Select); coding-DNA position 3868, G replaced by A.
Protein change: p.Ala1290Thr; replaces alanine 1290 with threonine.
Molecular consequence: missense variant.
Genome position (GRCh38, 1-based): chr1:21,873,017, C>T on the plus strand (G>A on the coding strand, the complement: HSPG2 is on the minus strand). VCF-style: chr1-21873017-C-T. GRCh37 (hg19) VCF-style: chr1-22199510-C-T.
Other names: c.3868G>A (NM_005529.5); c.3871G>A, p.Ala1291Thr (NM_001291860.2); short protein forms A1290T, A1291T.
Identifiers: ClinVar variation 1053562 (VCV001053562.9), dbSNP rs1418053662, ClinGen allele CA338959766.
Genomic context (GRCh38, chr1:21,873,017, plus strand): 5'-GGGCAGAGCAGGCCCCGCAGGGACAGGGATTCGGACTGACCTTGCACTGGCACTGACCAG[C>T]AGCATCACACTGGCTGCTGACGCTGCCTTGGGGGTCACAGTTGCAGCCTATGGGCCCTGG-3'
Protein context (NP_005520.4, residues 1280-1300): QGSVSSQCDA[Ala1290Thr]GQCQCKAQVE